The following is an entry in ClinVar:

NM_005343.4(HRAS):c.145G>A (p.Glu49Lys)

Genes: HRAS (HRas proto-oncogene, GTPase; minus strand), LRRC56 (leucine rich repeat containing 56; plus strand). Cytogenetic location: 11p15.5.
Variant type: single nucleotide variant.
Coding change: c.145G>A on transcript NM_005343.4 (MANE Select); coding-DNA position 145, G replaced by A.
Protein change: p.Glu49Lys; replaces glutamic acid 49 with lysine.
Molecular consequence: missense variant. On other transcripts: 5 prime UTR variant (1).
Genome position (GRCh38, 1-based): chr11:533,911, C>T on the plus strand (G>A on the coding strand, the complement: HRAS is on the minus strand). VCF-style: chr11-533911-C-T. GRCh37 (hg19) VCF-style: chr11-533911-C-T.
Other names: c.145G>A, p.Glu49Lys (NM_001130442.3, NM_176795.5); c.-175G>A (NM_001318054.2); short protein forms E49K.
Identifiers: ClinVar variation 548638 (VCV000548638.6), dbSNP rs1277340795, ClinGen allele CA378924752.
Genomic context (GRCh38, chr11:533,911, plus strand): 5'-CCCGCATGGCGCTGTACTCCTCCTGGCCGGCGGTATCCAGGATGTCCAACAGGCACGTCT[C>T]CCCATCAATGACCACCTGCTTCCGGTAGGAATCCTGCAGGAGGACAGGGCTCAGGGACCC-3'
Protein context (NP_005334.1, residues 39-59): SYRKQVVIDG[Glu49Lys]TCLLDILDTA

ClinVar aggregate classification (germline): Uncertain significance. Review status: criteria provided, single submitter (1 of 4 stars). 2 submissions from 2 submitters: Uncertain significance (1). 1 of the submissions does not count toward it. Last evaluated 2024-01-18.

Conditions:
Vascular Tumors Including Pyogenic Granuloma.
Costello syndrome (CSTLO). Also called: HRAS-Related Costello Syndrome; FACIOCUTANEOSKELETAL SYNDROME; FCS SYNDROME. Identifiers: Orphanet 3071, MedGen C0587248, MONDO:0009026, OMIM 218040.

Submissions (2):

Labcorp Genetics (formerly Invitae), Labcorp
Classification: Uncertain significance for Costello syndrome. Last evaluated: 2024-01-18. Review status: criteria provided, single submitter. Criteria: Invitae Variant Classification Sherloc (09022015). Collection method: clinical testing. Allele origin: germline.
Comment: This sequence change replaces glutamic acid, which is acidic and polar, with lysine, which is basic and polar, at codon 49 of the HRAS protein (p.Glu49Lys). This variant is not present in population databases (gnomAD no frequency). This variant has not been reported in the literature in individuals affected with HRAS-related conditions. ClinVar contains an entry for this variant (Variation ID: 548638). Advanced modeling of protein sequence and biophysical properties (such as structural, functional, and spatial information, amino acid conservation, physicochemical variation, residue mobility, and thermodynamic stability) performed at Invitae indicates that this missense variant is not expected to disrupt HRAS protein function with a negative predictive value of 95%. In summary, the available evidence is currently insufficient to determine the role of this variant in disease. Therefore, it has been classified as a Variant of Uncertain Significance.

Yale Center for Mendelian Genomics, Yale University
Classification: Likely pathogenic for Vascular Tumors Including Pyogenic Granuloma. Last evaluated: 2015-02-19. Review status: no assertion criteria provided. Collection method: literature only. Allele origin: somatic. Affected: yes. Observed: 2 heterozygotes. Not counted in ClinVar's aggregate classification.

Literature cited by the submitters: PubMed 25695684 (cited by Yale Center for Mendelian Genomics, Yale University).